The following is an entry in ClinVar:

ClinVar aggregate classification (germline): Pathogenic (1 of 4 stars; one submission).

Submission:

Labcorp Genetics (formerly Invitae), Labcorp
Classification: Pathogenic. Last evaluated: 2024-05-22. Review status: criteria provided, single submitter. Criteria: Invitae Variant Classification Sherloc (09022015). Collection method: clinical testing. Allele origin: germline.
Comment: This sequence change creates a premature translational stop signal (p.Ser4530Leufs*32) in the USH2A gene. It is expected to result in an absent or disrupted protein product. Loss-of-function variants in USH2A are known to be pathogenic (PMID: 10729113, 10909849, 20507924, 25649381). This variant is not present in population databases (gnomAD no frequency). This variant has not been reported in the literature in individuals affected with USH2A-related conditions. For these reasons, this variant has been classified as Pathogenic.

Literature cited by the submitters: PubMed 10729113; PubMed 10909849; PubMed 20507924; PubMed 25649381.

NM_206933.4(USH2A):c.13587dup (p.Ser4530fs)

Gene: USH2A (usherin; minus strand). Cytogenetic location: 1q41.
Variant type: Duplication.
Coding change: c.13587dup on transcript NM_206933.4 (MANE Select); coding-DNA position 13587, one base duplicated (C; older notation c.13587dupC).
Protein change: p.Ser4530fs; shifts the reading frame from serine 4530.
Molecular consequence: frameshift variant.
Genome position (GRCh38, 1-based): chr1:215,674,324, G duplicated on the plus strand (C on the coding strand, the reverse complement: USH2A is on the minus strand); the first of 4 consecutive G bases (chr1:215,674,324-215,674,327); duplicating any one gives the same sequence. VCF-style (leftmost placement, unchanged base first): chr1-215674323-A-AG. GRCh37 (hg19) VCF-style: chr1-215847665-A-AG.
Other names: short protein forms S4530fs.
Identifiers: ClinVar variation 3654212 (VCV003654212.2).